The following is an entry in ClinVar:

NM_032043.3(BRIP1):c.1056_1077del (p.Tyr353fs)

Gene: BRIP1 (BRCA1 interacting DNA helicase 1; minus strand). Cytogenetic location: 17q23.2.
Variant type: Deletion.
Coding change: c.1056_1077del on transcript NM_032043.3 (MANE Select); coding-DNA positions 1056 to 1077, 22 bases deleted (TTACACAGCCCGAGAACTAATA).
Protein change: p.Tyr353fs; shifts the reading frame from tyrosine 353.
Molecular consequence: frameshift variant.
Genome position (GRCh38, 1-based): chr17:61,801,316-61,801,337, TATTAGTTCTCGGGCTGTGTAA deleted on the plus strand (TTACACAGCCCGAGAACTAATA on the coding strand, the reverse complement: BRIP1 is on the minus strand); deleting any 22 consecutive bases within chr17:61,801,316-61,801,340 gives the same sequence; the c. name uses the placement nearest the transcript's 3' end. VCF-style (leftmost placement, unchanged base first): chr17-61801315-GTATTAGTTCTCGGGCTGTGTAA-G. GRCh37 (hg19) VCF-style: chr17-59878676-GTATTAGTTCTCGGGCTGTGTAA-G.
Other names: c.1056_1077del22 (NM_032043.2); short protein forms Y353fs.
Identifiers: ClinVar variation 1778486 (VCV001778486.2), dbSNP rs2545152748, ClinGen allele CA2580094532.

ClinVar aggregate classification (germline): Pathogenic (1 of 4 stars; one submission).

Conditions:
Hereditary cancer-predisposing syndrome. Also called: Neoplastic Syndromes, Hereditary; Tumor predisposition; Hereditary Cancer Syndrome; Hereditary neoplastic syndrome. Identifiers: Orphanet 140162, MedGen C0027672, MeSH D009386, MONDO:0015356.

Submission:

Ambry Genetics
Classification: Pathogenic for Hereditary cancer-predisposing syndrome. Last evaluated: 2019-01-27. Review status: criteria provided, single submitter. Criteria: Ambry Variant Classification Scheme 2023. Collection method: clinical testing. Allele origin: germline.
Comment: The c.1056_1077del22 pathogenic mutation, located in coding exon 7 of the BRIP1 gene, results from a deletion of 22 nucleotides at nucleotide positions 1056 to 1077, causing a translational frameshift with a predicted alternate stop codon (p.Y353Kfs*14). This alteration is expected to result in loss of function by premature protein truncation or nonsense-mediated mRNA decay. As such, this alteration is interpreted as a disease-causing mutation.